The following is an entry in ClinVar:

ClinVar aggregate classification (germline): Benign. Review status: criteria provided, multiple submitters, no conflicts (2 of 4 stars). 4 submissions from 4 submitters: Benign (3). 1 of the submissions does not count toward it. Last evaluated 2026-01-27.

Conditions:
VPS13D-related disorder. Also called: VPS13D-related condition.

Allele frequency attached by ClinVar (database versions not stated): gnomAD 0.00933 and 0.00884; TOPMed 0.00996; 1000 Genomes Project 0.01118; 1000 Genomes Project 30x 0.01140; gnomAD exomes 0.00220; ExAC 0.00256; ESP Exome Variant Server 0.00792.
gnomAD v4.1: 2,667 of 1,614,178 alleles (0.17%); highest among the groups gnomAD compares: African/African-American, 3.1%; 37 homozygotes.

Submissions (4):

Labcorp Genetics (formerly Invitae), Labcorp
Classification: Benign. Last evaluated: 2026-01-27. Review status: criteria provided, single submitter. Criteria: Invitae Variant Classification Sherloc (09022015). Collection method: clinical testing. Allele origin: germline.

Mayo Clinic Laboratories, Mayo Clinic
Classification: Benign. Last evaluated: 2024-09-23. Review status: criteria provided, single submitter. Criteria: ACMG Guidelines, 2015. Collection method: clinical testing. Allele origin: germline. Observed: 5 variant alleles.
Comment: BA1, BP4, BP7

Breakthrough Genomics
Classification: Benign. Review status: criteria provided, single submitter. Criteria: ACMG Guidelines, 2015. Collection method: not provided. Allele origin: germline. Inheritance: Autosomal recessive inheritance. Affected: yes.

PreventionGenetics, part of Exact Sciences
Classification: Benign for VPS13D-related condition. Last evaluated: 2019-02-26. Review status: no assertion criteria provided. Collection method: clinical testing. Allele origin: germline. Not counted in ClinVar's aggregate classification.
Comment: This variant is classified as benign based on ACMG/AMP sequence variant interpretation guidelines (Richards et al. 2015 PMID: 25741868, with internal and published modifications).

NM_015378.4(VPS13D):c.4371C>T (p.Ser1457=)

Gene: VPS13D (vacuolar protein sorting 13 homolog D; plus strand). Cytogenetic location: 1p36.22.
Variant type: single nucleotide variant.
Coding change: c.4371C>T on transcript NM_015378.4 (MANE Select); coding-DNA position 4371, C replaced by T.
Protein change: p.Ser1457=; no amino-acid change (serine 1457 retained).
Molecular consequence: synonymous variant.
Genome position (GRCh38, 1-based): chr1:12,277,959, C>T. VCF-style: chr1-12277959-C-T. GRCh37 (hg19) VCF-style: chr1-12338016-C-T.
Other names: p.Ser1457=; c.4371C>T, p.Ser1457= (NM_018156.4).
Identifiers: ClinVar variation 786980 (VCV000786980.14), dbSNP rs72866608, ClinGen allele CA602124.